The following is an entry in ClinVar:

NM_005546.4(ITK):c.656G>C (p.Gly219Ala)

Gene: ITK (IL2 inducible T cell kinase; plus strand). Cytogenetic location: 5q33.3.
Variant type: single nucleotide variant.
Coding change: c.656G>C on transcript NM_005546.4 (MANE Select); coding-DNA position 656, G replaced by C.
Protein change: p.Gly219Ala; replaces glycine 219 with alanine.
Molecular consequence: missense variant.
Genome position (GRCh38, 1-based): chr5:157,228,304, G>C. VCF-style: chr5-157228304-G-C. GRCh37 (hg19) VCF-style: chr5-156655314-G-C.
Other names: short protein forms G219A.
Identifiers: ClinVar variation 1995756 (VCV001995756.4), dbSNP rs774619675, ClinGen allele CA361954464.

ClinVar aggregate classification (germline): Uncertain significance. Review status: criteria provided, multiple submitters, no conflicts (2 of 4 stars). 2 submissions from 2 submitters: Uncertain significance (2). Last evaluated 2024-10-15.

Conditions:
Lymphoproliferative syndrome 1 (LPFS1). Identifiers: Orphanet 238505, Orphanet 538963, MedGen C3552634, MONDO:0013081, OMIM 613011.

Allele frequency attached by ClinVar (database versions not stated): TOPMed below 0.00001.
gnomAD v4.1: 3 of 1,594,130 alleles (0.00019%); highest among the groups gnomAD compares: Non-Finnish European, 0.00026%; no homozygotes.

Submissions (2):

Labcorp Genetics (formerly Invitae), Labcorp
Classification: Uncertain significance for Lymphoproliferative syndrome 1. Last evaluated: 2024-10-15. Review status: criteria provided, single submitter. Criteria: Invitae Variant Classification Sherloc (09022015). Collection method: clinical testing. Allele origin: germline.
Comment: This sequence change replaces glycine, which is neutral and non-polar, with alanine, which is neutral and non-polar, at codon 219 of the ITK protein (p.Gly219Ala). This variant is present in population databases (no rsID available, gnomAD 0.0009%). This variant has not been reported in the literature in individuals affected with ITK-related conditions. ClinVar contains an entry for this variant (Variation ID: 1995756). Invitae Evidence Modeling of protein sequence and biophysical properties (such as structural, functional, and spatial information, amino acid conservation, physicochemical variation, residue mobility, and thermodynamic stability) indicates that this missense variant is not expected to disrupt ITK protein function with a negative predictive value of 80%. In summary, the available evidence is currently insufficient to determine the role of this variant in disease. Therefore, it has been classified as a Variant of Uncertain Significance.

Blueprint Genetics
Classification: Uncertain significance. Last evaluated: 2023-02-03. Review status: criteria provided, single submitter. Criteria: ACMG Guidelines, 2015. Collection method: clinical testing. Allele origin: germline.